The following is an entry in ClinVar:

ClinVar aggregate classification (germline): Likely benign (0 of 4 stars; one submission).

Conditions:
KCNQ4-related disorder. Also called: KCNQ4-related condition.

Allele frequency attached by ClinVar (database versions not stated): ExAC 0.00004; gnomAD 0.00004; TOPMed 0.00004.
gnomAD v4.1: 75 of 1,608,484 alleles (0.0047%); highest among the groups gnomAD compares: East Asian, 0.025%; no homozygotes.

Submission:

PreventionGenetics, part of Exact Sciences
Classification: Likely benign for KCNQ4-related condition. Last evaluated: 2019-12-05. Review status: no assertion criteria provided. Collection method: clinical testing. Allele origin: germline.
Comment: This variant is classified as likely benign based on ACMG/AMP sequence variant interpretation guidelines (Richards et al. 2015 PMID: 25741868, with internal and published modifications).

NM_004700.4(KCNQ4):c.960C>T (p.Ser320=)

Gene: KCNQ4 (potassium voltage-gated channel subfamily Q member 4; plus strand). Cytogenetic location: 1p34.2.
Variant type: single nucleotide variant.
Coding change: c.960C>T on transcript NM_004700.4 (MANE Select); coding-DNA position 960, C replaced by T.
Protein change: p.Ser320=; no amino-acid change (serine 320 retained).
Molecular consequence: synonymous variant.
Genome position (GRCh38, 1-based): chr1:40,820,179, C>T. VCF-style: chr1-40820179-C-T. GRCh37 (hg19) VCF-style: chr1-41285851-C-T.
Other names: c.960C>T, p.Ser320= (NM_172163.3).
Identifiers: ClinVar variation 3049093 (VCV003049093.2), dbSNP rs755656004, ClinGen allele CA794710.
Genomic context (GRCh38, chr1:40,820,179, plus strand): 5'-CCCACCACTGCCAGCACATTCCCCCAACCATGCCCTATCCCTCTAGGGCATCCTAGGCTC[C>T]GGCTTTGCCCTGAAGGTCCAGGAGCAGCACCGGCAGAAGCACTTCGAGAAGCGGAGGATG-3'
Protein context (NP_004691.2, residues 310-330): FFALPAGILG[Ser320=]GFALKVQEQH